The following is an entry in ClinVar:

NM_152327.5(AK7):c.1216A>C (p.Ile406Leu)

Gene: AK7 (adenylate kinase 7; plus strand). Cytogenetic location: 14q32.2.
Variant type: single nucleotide variant.
Coding change: c.1216A>C on transcript NM_152327.5 (MANE Select); coding-DNA position 1216, A replaced by C.
Protein change: p.Ile406Leu; replaces isoleucine 406 with leucine.
Molecular consequence: missense variant.
Genome position (GRCh38, 1-based): chr14:96,456,464, A>C. VCF-style: chr14-96456464-A-C. GRCh37 (hg19) VCF-style: chr14-96922801-A-C.
Other names: c.1216A>C, p.Ile406Leu (NM_001350888.2, NM_001350890.2, NM_001350892.2); c.1138A>C, p.Ile380Leu (NM_001350891.2); short protein forms I380L, I406L.
Identifiers: ClinVar variation 2018380 (VCV002018380.4), dbSNP rs2504545567, ClinGen allele CA390915899.

ClinVar aggregate classification (germline): Uncertain significance (1 of 4 stars; one submission).

Submission:

Labcorp Genetics (formerly Invitae), Labcorp
Classification: Uncertain significance. Last evaluated: 2022-07-20. Review status: criteria provided, single submitter. Criteria: Invitae Variant Classification Sherloc (09022015). Collection method: clinical testing. Allele origin: germline.
Comment: In summary, the available evidence is currently insufficient to determine the role of this variant in disease. Therefore, it has been classified as a Variant of Uncertain Significance. Algorithms developed to predict the effect of missense changes on protein structure and function (SIFT, PolyPhen-2, Align-GVGD) all suggest that this variant is likely to be tolerated. This variant has not been reported in the literature in individuals affected with AK7-related conditions. This variant is not present in population databases (gnomAD no frequency). This sequence change replaces isoleucine, which is neutral and non-polar, with leucine, which is neutral and non-polar, at codon 406 of the AK7 protein (p.Ile406Leu).